The following is an entry in ClinVar:

ClinVar aggregate classification (germline): Benign. Review status: reviewed by expert panel (3 of 4 stars). 10 submissions from 10 submitters: Benign (1). 9 of the submissions do not count toward it. Last evaluated 2015-08-10.

Conditions:
Hereditary cancer-predisposing syndrome. Also called: Neoplastic Syndromes, Hereditary; Tumor predisposition; Hereditary neoplastic syndrome; Hereditary Cancer Syndrome. Identifiers: Orphanet 140162, MedGen C0027672, MeSH D009386, MONDO:0015356.
Hereditary breast ovarian cancer syndrome. Also called: Hereditary breast and ovarian cancer syndrome; Hereditary breast and ovarian cancer; Hereditary breast and ovarian cancer syndrome (HBOC); Breast and ovarian cancer; Hereditary breast and/or ovarian cancer syndrome; BRCA1- and BRCA2-Associated Hereditary Breast and Ovarian Cancer. Identifiers: Orphanet 145, MedGen C0677776, MeSH D061325, MONDO:0003582. Disease mechanism: loss of function.
BRCA2-related cancer predisposition. Identifiers: MedGen CN377758, MONDO:0700269.
Breast-ovarian cancer, familial, susceptibility to, 2 (BROVCA2). Also called: BRCA2 Hereditary Breast and Ovarian Cancer. Identifiers: Orphanet 145, MedGen C2675520, MONDO:0012933, OMIM 612555. Disease mechanism: loss of function.

Allele frequency attached by ClinVar (database versions not stated): gnomAD exomes below 0.00001; ExAC 0.00001.
gnomAD v4.1: 4 of 1,613,784 alleles (0.00025%); highest among the groups gnomAD compares: Non-Finnish European, 0.00034%; no homozygotes.

Submissions (10):

Evidence-based Network for the Interpretation of Germline Mutant Alleles (ENIGMA)
Classification: Benign for Breast-ovarian cancer, familial 2. Last evaluated: 2015-08-10. Review status: reviewed by expert panel. Criteria: ENIGMA BRCA1/2 Classification Criteria (2015). Collection method: curation. Allele origin: germline.
Comment: IARC class based on posterior probability from multifactorial likelihood analysis, thresholds for class as per Plon et al. 2008 (PMID: 18951446). Class 1 based on posterior probability = 0.000000163

Quest Diagnostics Nichols Institute San Juan Capistrano
Classification: Likely benign. Last evaluated: 2025-07-01. Review status: criteria provided, single submitter. Criteria: Quest Diagnostics criteria. Collection method: clinical testing. Allele origin: unknown. Not counted in ClinVar's aggregate classification.

Labcorp Genetics (formerly Invitae), Labcorp
Classification: Likely benign for Hereditary breast ovarian cancer syndrome. Last evaluated: 2025-06-19. Review status: criteria provided, single submitter. Criteria: Invitae Variant Classification Sherloc (09022015). Collection method: clinical testing. Allele origin: germline. Not counted in ClinVar's aggregate classification.

All of Us Research Program, National Institutes of Health
Classification: Likely benign for BRCA2-related cancer predisposition. Last evaluated: 2024-09-23. Review status: criteria provided, single submitter. Criteria: ACMG Guidelines, 2015. Collection method: clinical testing. Allele origin: germline. Inheritance: Autosomal dominant inheritance. Observed: 1 variant allele, 1 heterozygote. Not counted in ClinVar's aggregate classification.
Comment: This study involves interpretation of variants in research participants for the purpose of population health screening. Participant phenotype was not available at the time of variant classification. Additional details can be found in publication PMID: 35346344, PMCID: PMC8962531

Sema4
Classification: Likely benign for Hereditary cancer-predisposing syndrome. Last evaluated: 2021-06-13. Review status: criteria provided, single submitter. Criteria: Sema4 Curation Guidelines. Collection method: curation. Allele origin: germline. Not counted in ClinVar's aggregate classification.

Color Diagnostics, LLC DBA Color Health
Classification: Likely benign for Hereditary cancer-predisposing syndrome. Last evaluated: 2018-12-12. Review status: criteria provided, single submitter. Criteria: ACMG Guidelines, 2015. Collection method: clinical testing. Allele origin: germline. Not counted in ClinVar's aggregate classification.

GeneDx
Classification: Likely benign. Last evaluated: 2018-11-23. Review status: criteria provided, single submitter. Criteria: GeneDx Variant Classification Process June 2021. Collection method: clinical testing. Allele origin: germline. Affected: yes. Not counted in ClinVar's aggregate classification.
Comment: This variant is associated with the following publications: (PMID: 21990134, 24323938, 18375895, 21702907, 29884841)

Ambry Genetics
Classification: Benign for Hereditary cancer-predisposing syndrome. Last evaluated: 2014-11-19. Review status: criteria provided, single submitter. Criteria: Ambry Variant Classification Scheme 2023. Collection method: clinical testing. Allele origin: germline. Not counted in ClinVar's aggregate classification.

Counsyl
Classification: Benign for Breast-ovarian cancer, familial, susceptibility to, 2. Last evaluated: 2018-01-09. Review status: no assertion criteria provided. Collection method: clinical testing. Allele origin: unknown. Not counted in ClinVar's aggregate classification.

Breast Cancer Information Core (BIC) (BRCA2)
Classification: Uncertain significance for Breast-ovarian cancer, familial 2. Last evaluated: 2000-08-16. Review status: no assertion criteria provided. Collection method: clinical testing. Allele origin: germline. Affected: yes. Observed: 2 variant alleles. Not counted in ClinVar's aggregate classification.

Literature cited by the submitters: PubMed 21990134 (cited by 3 submitters); PubMed 21702907 (cited by Quest Diagnostics Nichols Institute San Juan Capistrano and Counsyl); PubMed 18375895 (cited by Quest Diagnostics Nichols Institute San Juan Capistrano and Counsyl); PubMed 38136308 (cited by Quest Diagnostics Nichols Institute San Juan Capistrano); PubMed 24323938 (cited by Quest Diagnostics Nichols Institute San Juan Capistrano); PubMed 33964450 (cited by Quest Diagnostics Nichols Institute San Juan Capistrano); PubMed 35979650 (cited by Quest Diagnostics Nichols Institute San Juan Capistrano); PubMed 29884841 (cited by Quest Diagnostics Nichols Institute San Juan Capistrano); PubMed 33471991 (cited by Quest Diagnostics Nichols Institute San Juan Capistrano).

NM_000059.4(BRCA2):c.7415A>C (p.Lys2472Thr)

Gene: BRCA2 (BRCA2 DNA repair associated; plus strand). Cytogenetic location: 13q13.1.
Variant type: single nucleotide variant.
Coding change: c.7415A>C on transcript NM_000059.4 (MANE Select); coding-DNA position 7415, A replaced by C.
Protein change: p.Lys2472Thr; replaces lysine 2472 with threonine.
Molecular consequence: missense variant.
Genome position (GRCh38, 1-based): chr13:32,355,268, A>C. VCF-style: chr13-32355268-A-C. GRCh37 (hg19) VCF-style: chr13-32929405-A-C.
Other names: p.K2472T:AAG>ACG; 7643A>C; short protein forms K2472T.
Identifiers: ClinVar variation 52322 (VCV000052322.24), dbSNP rs80358963, ClinGen allele CA025068.